The following is an entry in ClinVar:

ClinVar aggregate classification (germline): Uncertain significance (1 of 4 stars; one submission).

Conditions:
Spastic paraplegia. Identifiers: MedGen C0037772, HP:0001258.

Submission:

Labcorp Genetics (formerly Invitae), Labcorp
Classification: Uncertain significance for Spastic paraplegia. Last evaluated: 2022-10-25. Review status: criteria provided, single submitter. Criteria: Invitae Variant Classification Sherloc (09022015). Collection method: clinical testing. Allele origin: germline.
Comment: This sequence change replaces glutamine, which is neutral and polar, with glutamic acid, which is acidic and polar, at codon 1019 of the KIF5A protein (p.Gln1019Glu). This variant is not present in population databases (gnomAD no frequency). This variant has not been reported in the literature in individuals affected with KIF5A-related conditions. ClinVar contains an entry for this variant (Variation ID: 1396148). Advanced modeling of protein sequence and biophysical properties (such as structural, functional, and spatial information, amino acid conservation, physicochemical variation, residue mobility, and thermodynamic stability) performed at Invitae indicates that this missense variant is not expected to disrupt KIF5A protein function. In summary, the available evidence is currently insufficient to determine the role of this variant in disease. Therefore, it has been classified as a Variant of Uncertain Significance.

NM_004984.4(KIF5A):c.3055C>G (p.Gln1019Glu)

Gene: KIF5A (kinesin family member 5A; plus strand). Cytogenetic location: 12q13.3.
Variant type: single nucleotide variant.
Coding change: c.3055C>G on transcript NM_004984.4 (MANE Select); coding-DNA position 3055, C replaced by G.
Protein change: p.Gln1019Glu; replaces glutamine 1019 with glutamic acid.
Molecular consequence: missense variant.
Genome position (GRCh38, 1-based): chr12:57,583,135, C>G. VCF-style: chr12-57583135-C-G. GRCh37 (hg19) VCF-style: chr12-57976918-C-G.
Other names: c.2788C>G, p.Gln930Glu (NM_001354705.2); short protein forms Q1019E, Q930E.
Identifiers: ClinVar variation 1396148 (VCV001396148.8), dbSNP rs2140173025, ClinGen allele CA385517477.